The following is an entry in ClinVar:

NM_194248.3(OTOF):c.4885del (p.His1629fs)

Gene: OTOF (otoferlin; minus strand). Cytogenetic location: 2p23.3.
Variant type: Deletion.
Coding change: c.4885del on transcript NM_194248.3 (MANE Select); coding-DNA position 4885, one base deleted (C; older notation c.4885delC).
Protein change: p.His1629fs; shifts the reading frame from histidine 1629.
Molecular consequence: frameshift variant.
Genome position (GRCh38, 1-based): chr2:26,464,944, G deleted on the plus strand (C on the coding strand, the reverse complement: OTOF is on the minus strand); the first of 5 consecutive G bases (chr2:26,464,944-26,464,948); deleting any one gives the same sequence. VCF-style (leftmost placement, unchanged base first): chr2-26464943-TG-T. GRCh37 (hg19) VCF-style: chr2-26687811-TG-T.
Other names: c.4885del, p.His1629fs (NM_001287489.2); c.2584del, p.His862fs (NM_004802.4, NM_194323.3); c.2815del, p.His939fs (NM_194322.3); short protein forms H1629fs, H862fs, H939fs.
Identifiers: ClinVar variation 1699487 (VCV001699487.3), dbSNP rs2148026336, ClinGen allele CA2573131705.

ClinVar aggregate classification (germline): Pathogenic (1 of 4 stars; one submission).

Conditions:
Autosomal recessive nonsyndromic hearing loss 9. Also called: Deafness, autosomal recessive 9; NEUROSENSORY NONSYNDROMIC RECESSIVE DEAFNESS 9; AUDITORY NEUROPATHY, AUTOSOMAL RECESSIVE, 1, TEMPERATURE-SENSITIVE; OTOF-Related Hearing Loss. Identifiers: Orphanet 90636, MedGen C1832828, MONDO:0010986, OMIM 601071.

Submission:

Victorian Clinical Genetics Services, Murdoch Childrens Research Institute
Classification: Pathogenic for Autosomal recessive nonsyndromic hearing loss 9. Last evaluated: 2023-07-17. Review status: criteria provided, single submitter. Criteria: ACMG Guidelines, 2015. Collection method: clinical testing. Allele origin: germline. Inheritance: Autosomal recessive inheritance. Affected: yes.
Comment: Based on the classification scheme VCGS_Germline_v1.3.4, this variant is classified as Pathogenic. Following criteria are met: 0102 - Loss of function is a known mechanism of disease in this gene and is associated with autosomal recessive auditory neuropathy (MIM#601071) and deafness, 9 (MIM#601071). (I) 0106 - This gene is associated with autosomal recessive disease. (I) 0201 - Variant is predicted to cause nonsense-mediated decay (NMD) and loss of protein (premature termination codon is located at least 54 nucleotides upstream of the final exon-exon junction). (SP) 0251 - This variant is heterozygous. (I) 0301 - Variant is absent from gnomAD (both v2 and v3). (SP) 0701 - Other NMD-predicted variants comparable to the one identified in this case have very strong previous evidence for pathogenicity. These variants have been reported as pathogenic, and observed in individuals with non-syndromic hearing loss (DECIPHER, PMID: 34113375). (SP) 0807 - This variant has no previous evidence of pathogenicity. (I) 0905 - No published segregation evidence has been identified for this variant. (I) 1007 - No published functional evidence has been identified for this variant. (I) Legend: (SP) - Supporting pathogenic, (I) - Information, (SB) - Supporting benign

Literature cited by the submitters: PubMed 34113375.